The following is an entry in ClinVar:

ClinVar aggregate classification (germline): Uncertain significance (1 of 4 stars; one submission).

Conditions:
Epidermolysis bullosa simplex 3, localized or generalized intermediate, with BP230 deficiency (EBS3). Also called: Epidermolysis bullosa simplex, autosomal recessive 2; Epidermolysis bullosa simplex due to BP230 deficiency. Identifiers: Orphanet 412181, MedGen C3809470, MONDO:0014180, OMIM 615425.
Hereditary sensory and autonomic neuropathy type 6. Also called: Neuropathy, hereditary sensory and autonomic, type VI; HSAN VI. Identifiers: Orphanet 314381, MedGen C3539003, MONDO:0013839, OMIM 614653.

Allele frequency attached by ClinVar (database versions not stated): gnomAD exomes below 0.00001 and 0.00001; TOPMed below 0.00001; ExAC 0.00001.
gnomAD v4.1: 8 of 1,613,126 alleles (0.0005%); highest among the groups gnomAD compares: Non-Finnish European, 0.00068%; no homozygotes.

Submission:

Labcorp Genetics (formerly Invitae), Labcorp
Classification: Uncertain significance for Epidermolysis bullosa simplex 3, localized or generalized intermediate, with BP230 deficiency; Hereditary sensory and autonomic neuropathy type 6. Last evaluated: 2021-03-07. Review status: criteria provided, single submitter. Criteria: Invitae Variant Classification Sherloc (09022015). Collection method: clinical testing. Allele origin: germline.
Comment: This sequence change replaces isoleucine with threonine at codon 1315 of the DST protein (p.Ile1315Thr). The isoleucine residue is weakly conserved and there is a moderate physicochemical difference between isoleucine and threonine. This variant is present in population databases (rs757951225, ExAC 0.002%). This variant has not been reported in the literature in individuals with DST-related conditions. Algorithms developed to predict the effect of missense changes on protein structure and function are either unavailable or do not agree on the potential impact of this missense change (SIFT: "Deleterious"; PolyPhen-2: "Benign"; Align-GVGD: "Class C65"). In summary, the available evidence is currently insufficient to determine the role of this variant in disease. Therefore, it has been classified as a Variant of Uncertain Significance.

NM_001723.7(DST):c.3944T>C (p.Ile1315Thr)

Gene: DST (dystonin; minus strand). Cytogenetic location: 6p12.1.
Variant type: single nucleotide variant.
Coding change: c.3944T>C on transcript NM_001723.7 (MANE Plus Clinical); coding-DNA position 3944, T replaced by C.
Protein change: p.Ile1315Thr; replaces isoleucine 1315 with threonine.
Molecular consequence: missense variant. On other transcripts: intron variant (10).
Genome position (GRCh38, 1-based): chr6:56,620,090, A>G on the plus strand (T>C on the coding strand, the complement: DST is on the minus strand). VCF-style: chr6-56620090-A-G. GRCh37 (hg19) VCF-style: chr6-56484888-A-G.
Other names: c.4830+4440T>C (NM_001144769.5); c.4929+4440T>C (NM_001374722.1, NM_001374736.1); c.4956+4440T>C (NM_001374734.1); c.4416+4440T>C (NM_001144770.2); c.4296+4440T>C (NM_001374730.1, NM_001386100.1, NM_183380.4 and 1 more transcripts); c.3318+4440T>C (NM_015548.5); short protein forms I1315T.
Identifiers: ClinVar variation 1374595 (VCV001374595.8), dbSNP rs757951225, ClinGen allele CA3870627.
Genomic context (GRCh38, chr6:56,620,090, plus strand): 5'-AATGCATTTTCTCTACATGTATACTGAATTTCAGTTATTTTTCTTCTTGCTTCCAATTCA[A>G]TTTTCTGCTTTTCTTTCAACTGTTTCTCTGCTACCTGTTTCTGAAATGCAAGGTCTTTTT-3'
Protein context (NP_001714.1, residues 1305-1325): AEKQLKEKQK[Ile1315Thr]ELEARRKITE